The following is an entry in ClinVar:

NM_003482.4(KMT2D):c.2898C>A (p.Asp966Glu)

Gene: KMT2D (lysine methyltransferase 2D; minus strand). Cytogenetic location: 12q13.12.
Variant type: single nucleotide variant.
Coding change: c.2898C>A on transcript NM_003482.4 (MANE Select); coding-DNA position 2898, C replaced by A.
Protein change: p.Asp966Glu; replaces aspartic acid 966 with glutamic acid.
Molecular consequence: missense variant.
Genome position (GRCh38, 1-based): chr12:49,050,690, G>T on the plus strand (C>A on the coding strand, the complement: KMT2D is on the minus strand). VCF-style: chr12-49050690-G-T. GRCh37 (hg19) VCF-style: chr12-49444473-G-T.
Other names: short protein forms D966E.
Identifiers: ClinVar variation 4801255 (VCV004801255.1).
Genomic context (GRCh38, chr12:49,050,690, plus strand): 5'-TGGTGGAGGGCTGATGGGTGTCTCCAGGATGGGGGCAGCCAACGGTGACTCAGGGTCACT[G>T]TCCCCTTTGGCACCAAAGGGGTACTCTAACTCCCCCAAAGGAGACAGGGCCGGTGGGGCC-3'
Protein context (NP_003473.3, residues 956-976): ELEYPFGAKG[Asp966Glu]SDPESPLAAP

ClinVar aggregate classification (germline): Uncertain significance (1 of 4 stars; one submission).

Conditions:
Kabuki syndrome. Also called: NIIKAWA-KUROKI SYNDROME; Kabuki make-up syndrome. Identifiers: Orphanet 2322, MedGen C0796004, MONDO:0016512.

Submission:

Labcorp Genetics (formerly Invitae), Labcorp
Classification: Uncertain significance for Kabuki syndrome. Last evaluated: 2025-07-14. Review status: criteria provided, single submitter. Criteria: Invitae Variant Classification Sherloc (09022015). Collection method: clinical testing. Allele origin: germline.
Comment: This sequence change replaces aspartic acid, which is acidic and polar, with glutamic acid, which is acidic and polar, at codon 966 of the KMT2D protein (p.Asp966Glu). This variant is not present in population databases (gnomAD no frequency). This variant has not been reported in the literature in individuals affected with KMT2D-related conditions. Invitae Evidence Modeling of protein sequence and biophysical properties (such as structural, functional, and spatial information, amino acid conservation, physicochemical variation, residue mobility, and thermodynamic stability) indicates that this missense variant is not expected to disrupt KMT2D protein function with a negative predictive value of 95%. In summary, the available evidence is currently insufficient to determine the role of this variant in disease. Therefore, it has been classified as a Variant of Uncertain Significance.